The following is an entry in ClinVar:

NM_001371904.1(APOA5):c.360G>C (p.Trp120Cys)

Gene: APOA5 (apolipoprotein A5; minus strand). Cytogenetic location: 11q23.3.
Variant type: single nucleotide variant.
Coding change: c.360G>C on transcript NM_001371904.1 (MANE Select); coding-DNA position 360, G replaced by C.
Protein change: p.Trp120Cys; replaces tryptophan 120 with cysteine.
Molecular consequence: missense variant.
Genome position (GRCh38, 1-based): chr11:116,790,869, C>G on the plus strand (G>C on the coding strand, the complement: APOA5 is on the minus strand). VCF-style: chr11-116790869-C-G. GRCh37 (hg19) VCF-style: chr11-116661585-C-G.
Other names: c.360G>C, p.Trp120Cys (NM_001166598.2, NM_052968.5); short protein forms W120C.
Identifiers: ClinVar variation 2997690 (VCV002997690.3), dbSNP rs770946707, ClinGen allele CA6289088.

ClinVar aggregate classification (germline): Uncertain significance (1 of 4 stars; one submission).

Allele frequency attached by ClinVar (database versions not stated): TOPMed below 0.00001; gnomAD exomes 0.00001; ExAC 0.00002.
gnomAD v4.1: 3 of 1,613,786 alleles (0.00019%); highest among the groups gnomAD compares: Admixed American, 0.005%; no homozygotes.

Submission:

Labcorp Genetics (formerly Invitae), Labcorp
Classification: Uncertain significance. Last evaluated: 2023-03-07. Review status: criteria provided, single submitter. Criteria: Invitae Variant Classification Sherloc (09022015). Collection method: clinical testing. Allele origin: germline.
Comment: This sequence change replaces tryptophan, which is neutral and slightly polar, with cysteine, which is neutral and slightly polar, at codon 120 of the APOA5 protein (p.Trp120Cys). This variant is present in population databases (rs770946707, gnomAD 0.006%). This variant has not been reported in the literature in individuals affected with APOA5-related conditions. An algorithm developed to predict the effect of missense changes on protein structure and function (PolyPhen-2) suggests that this variant is likely to be disruptive. In summary, the available evidence is currently insufficient to determine the role of this variant in disease. Therefore, it has been classified as a Variant of Uncertain Significance.